The following is an entry in ClinVar:

NM_001370658.1(BTD):c.962C>T (p.Pro321Leu)

Gene: BTD (biotinidase; plus strand). Cytogenetic location: 3p25.1.
Variant type: single nucleotide variant.
Coding change: c.962C>T on transcript NM_001370658.1 (MANE Select); coding-DNA position 962, C replaced by T.
Protein change: p.Pro321Leu; replaces proline 321 with leucine.
Molecular consequence: missense variant. On other transcripts: intron variant (1).
Genome position (GRCh38, 1-based): chr3:15,644,878, C>T. VCF-style: chr3-15644878-C-T. GRCh37 (hg19) VCF-style: chr3-15686385-C-T.
Other names: c.962C>T, p.Pro321Leu (NM_001323582.2, NM_001370752.1, NM_001407364.1 and 18 more transcripts); c.399+2821C>T (NM_001370753.1); c.1022C>T, p.Pro341Leu (NM_000060.4); short protein forms P341L, P321L.
Identifiers: ClinVar variation 1994796 (VCV001994796.4), dbSNP rs2471516104, ClinGen allele CA351607806.

ClinVar aggregate classification (germline): Uncertain significance (1 of 4 stars; one submission).

Conditions:
Biotinidase deficiency. Also called: Biotin deficiency; BTD deficiency; Late-onset biotin-responsive multiple carboxylase deficiency. Identifiers: Orphanet 79241, MedGen C0220754, MONDO:0009665, OMIM 253260.

Submission:

Labcorp Genetics (formerly Invitae), Labcorp
Classification: Uncertain significance for Biotinidase deficiency. Last evaluated: 2022-05-15. Review status: criteria provided, single submitter. Criteria: Invitae Variant Classification Sherloc (09022015). Collection method: clinical testing. Allele origin: germline.
Comment: Algorithms developed to predict the effect of missense changes on protein structure and function (SIFT, PolyPhen-2, Align-GVGD) all suggest that this variant is likely to be tolerated. In summary, the available evidence is currently insufficient to determine the role of this variant in disease. Therefore, it has been classified as a Variant of Uncertain Significance. This variant has not been reported in the literature in individuals affected with BTD-related conditions. This sequence change replaces proline, which is neutral and non-polar, with leucine, which is neutral and non-polar, at codon 341 of the BTD protein (p.Pro341Leu). This variant is not present in population databases (gnomAD no frequency).